The following is an entry in ClinVar:

ClinVar aggregate classification (germline): Likely benign (1 of 4 stars; one submission).

Allele frequency attached by ClinVar (database versions not stated): 1000 Genomes Project 30x 0.00016; 1000 Genomes Project 0.00020; TOPMed 0.00121; gnomAD 0.00141; ExAC 0.00157; ESP Exome Variant Server 0.00169.
gnomAD v4.1: 2,512 of 1,609,292 alleles (0.16%); highest among the groups gnomAD compares: Non-Finnish European, 0.19%; 4 homozygotes.

Submission:

CeGaT Center for Human Genetics Tuebingen
Classification: Likely benign. Last evaluated: 2022-11-01. Review status: criteria provided, single submitter. Criteria: CeGaT Center For Human Genetics Tuebingen Variant Classification Criteria Version 2. Collection method: clinical testing. Allele origin: germline. Affected: yes. Observed: 2 variant alleles.
Comment: PPP6R2: BP4, BP7

NM_001242898.2(PPP6R2):c.1770C>T (p.Asp590=)

Gene: PPP6R2 (protein phosphatase 6 regulatory subunit 2; plus strand). Cytogenetic location: 22q13.33.
Variant type: single nucleotide variant.
Coding change: c.1770C>T on transcript NM_001242898.2 (MANE Select); coding-DNA position 1770, C replaced by T.
Protein change: p.Asp590=; no amino-acid change (aspartic acid 590 retained).
Molecular consequence: synonymous variant.
Genome position (GRCh38, 1-based): chr22:50,437,592, C>T. VCF-style: chr22-50437592-C-T. GRCh37 (hg19) VCF-style: chr22-50876021-C-T.
Other names: c.1692C>T, p.Asp564= (NM_001242899.2); c.1689C>T, p.Asp563= (NM_001242900.2, NM_001351644.2, NM_001351645.2 and 1 more transcripts); c.1773C>T, p.Asp591= (NM_001351641.2); c.1770C>T, p.Asp590= (NM_001351642.2, NM_001351643.2, NM_001365836.1); c.1686C>T, p.Asp562= (NM_001351646.2); c.1284C>T, p.Asp428= (NM_001351647.2); c.1203C>T, p.Asp401= (NM_001351648.2).
Identifiers: ClinVar variation 2653383 (VCV002653383.24), dbSNP rs146592285, ClinGen allele CA10315150.